The following is an entry in ClinVar:

NM_003482.4(KMT2D):c.1562C>T (p.Ser521Phe)

Gene: KMT2D (lysine methyltransferase 2D; minus strand). Cytogenetic location: 12q13.12.
Variant type: single nucleotide variant.
Coding change: c.1562C>T on transcript NM_003482.4 (MANE Select); coding-DNA position 1562, C replaced by T.
Protein change: p.Ser521Phe; replaces serine 521 with phenylalanine.
Molecular consequence: missense variant.
Genome position (GRCh38, 1-based): chr12:49,052,121, G>A on the plus strand (C>T on the coding strand, the complement: KMT2D is on the minus strand). VCF-style: chr12-49052121-G-A. GRCh37 (hg19) VCF-style: chr12-49445904-G-A.
Other names: short protein forms S521F.
Identifiers: ClinVar variation 2811465 (VCV002811465.3), dbSNP rs2120681412, ClinGen allele CA384674448.

ClinVar aggregate classification (germline): Uncertain significance (1 of 4 stars; one submission).

Conditions:
Kabuki syndrome. Also called: Kabuki make-up syndrome; NIIKAWA-KUROKI SYNDROME. Identifiers: Orphanet 2322, MedGen C0796004, MONDO:0016512.

Submission:

Labcorp Genetics (formerly Invitae), Labcorp
Classification: Uncertain significance for Kabuki syndrome. Last evaluated: 2023-12-23. Review status: criteria provided, single submitter. Criteria: Invitae Variant Classification Sherloc (09022015). Collection method: clinical testing. Allele origin: germline.
Comment: This sequence change replaces serine, which is neutral and polar, with phenylalanine, which is neutral and non-polar, at codon 521 of the KMT2D protein (p.Ser521Phe). This variant is not present in population databases (gnomAD no frequency). This variant has not been reported in the literature in individuals affected with KMT2D-related conditions. Advanced modeling of protein sequence and biophysical properties (such as structural, functional, and spatial information, amino acid conservation, physicochemical variation, residue mobility, and thermodynamic stability) performed at Invitae indicates that this missense variant is not expected to disrupt KMT2D protein function with a negative predictive value of 95%. In summary, the available evidence is currently insufficient to determine the role of this variant in disease. Therefore, it has been classified as a Variant of Uncertain Significance.